The following is an entry in ClinVar:

ClinVar aggregate classification (germline): Likely benign. Review status: criteria provided, single submitter (1 of 4 stars). 3 submissions from 3 submitters: Likely benign (1). 2 of the submissions do not count toward it. Last evaluated 2026-01-28.

Conditions:
Anauxetic dysplasia. Identifiers: Orphanet 93347, MedGen C1846796, MONDO:0011773.
RMRP-related disorder. Also called: RMRP-related condition.
Metaphyseal chondrodysplasia, McKusick type (CHH). Also called: Cartilage-Hair Hypoplasia (CHH); Cartilage-hair hypoplasia. Identifiers: Orphanet 175, MedGen C0220748, MONDO:0009595, OMIM 250250.

Allele frequency attached by ClinVar (database versions not stated): ExAC below 0.00001; TOPMed 0.00028; 1000 Genomes Project 30x 0.00125; 1000 Genomes Project 0.00160.
gnomAD v4.1: 109 of 683,918 alleles (0.016%); highest among the groups gnomAD compares: East Asian, 0.28%; no homozygotes.

Submissions (3):

Labcorp Genetics (formerly Invitae), Labcorp
Classification: Likely benign for Anauxetic dysplasia. Last evaluated: 2026-01-28. Review status: criteria provided, single submitter. Criteria: Invitae Variant Classification Sherloc (09022015). Collection method: clinical testing. Allele origin: germline.

PreventionGenetics, part of Exact Sciences
Classification: Likely benign for RMRP-related condition. Last evaluated: 2022-07-07. Review status: no assertion criteria provided. Collection method: clinical testing. Allele origin: germline. Not counted in ClinVar's aggregate classification.
Comment: This variant is classified as likely benign based on ACMG/AMP sequence variant interpretation guidelines (Richards et al. 2015 PMID: 25741868, with internal and published modifications).

Natera, Inc.
Classification: Likely benign for Cartilage-hair hypoplasia. Last evaluated: 2020-10-28. Review status: no assertion criteria provided. Collection method: clinical testing. Allele origin: germline. Not counted in ClinVar's aggregate classification.

NR_003051.4(RMRP):n.268G>C

Gene: RMRP (RNA component of mitochondrial RNA processing endoribonuclease; minus strand). Cytogenetic location: 9p13.3.
Variant type: single nucleotide variant.
Genome position: GRCh38 VCF-style: chr9-35657752-C-G. GRCh37 (hg19) VCF-style: chr9-35657749-C-G.
Identifiers: ClinVar variation 779624 (VCV000779624.13), dbSNP rs535022008, ClinGen allele CA5045810.